The following is an entry in ClinVar:

ClinVar aggregate classification (germline): Uncertain significance (1 of 4 stars; one submission).

Conditions:
Catecholaminergic polymorphic ventricular tachycardia (CVPT). Also called: Catecholamine-induced polymorphic ventricular tachycardia. Identifiers: Orphanet 3286, MedGen C5574922, MONDO:0017990.

Submission:

All of Us Research Program, National Institutes of Health
Classification: Uncertain significance for Catecholaminergic polymorphic ventricular tachycardia. Last evaluated: 2023-05-15. Review status: criteria provided, single submitter. Criteria: ACMG Guidelines, 2015. Collection method: clinical testing. Allele origin: germline. Inheritance: Autosomal dominant inheritance. Observed: 1 variant allele, 1 heterozygote.
Comment: This variant deletes 1 nucleotide in exon 20 of the RYR2 gene, creating a frameshift and premature translation stop signal. This variant is expected to result in an absent or non-functional protein product. To our knowledge, this variant has not been reported in individuals affected with cardiovascular disorders in the literature. This variant has not been identified in the general population by the Genome Aggregation Database (gnomAD). The role of loss-of-function RYR2 truncation variants in cardiovascular disorders is not clearly understood. The available evidence is insufficient to determine the role of this variant in disease conclusively. Therefore, this variant is classified as a Variant of Uncertain Significance.

This study involves interpretation of variants in research participants for the purpose of population health screening. Participant phenotype was not available at the time of variant classification. Additional details can be found in publication PMID: 35346344, PMCID: PMC8962531

NM_001035.3(RYR2):c.2115del (p.Tyr706fs)

Gene: RYR2 (ryanodine receptor 2; plus strand). Cytogenetic location: 1q43.
Variant type: Deletion.
Coding change: c.2115del on transcript NM_001035.3 (MANE Select); coding-DNA position 2115, one base deleted (C; older notation c.2115delC).
Protein change: p.Tyr706fs; shifts the reading frame from tyrosine 706.
Molecular consequence: frameshift variant.
Genome position (GRCh38, 1-based): chr1:237,496,664, C deleted; the last of 3 consecutive C bases (chr1:237,496,662-237,496,664); deleting any one gives the same sequence. VCF-style (leftmost placement, unchanged base first): chr1-237496661-TC-T. GRCh37 (hg19) VCF-style: chr1-237659961-TC-T.
Other names: short protein forms Y706fs.
Identifiers: ClinVar variation 3075655 (VCV003075655.1), dbSNP rs2545836321, ClinGen allele CA2825000929.